The following is an entry in ClinVar:

ClinVar aggregate classification (germline): Uncertain significance. Review status: criteria provided, multiple submitters, no conflicts (2 of 4 stars). 2 submissions from 2 submitters: Uncertain significance (2). Last evaluated 2025-12-29.

Submissions (2):

Labcorp Genetics (formerly Invitae), Labcorp
Classification: Uncertain significance. Last evaluated: 2025-12-29. Review status: criteria provided, single submitter. Criteria: Invitae Variant Classification Sherloc (09022015). Collection method: clinical testing. Allele origin: germline.
Comment: This sequence change creates a premature translational stop signal (p.Glu687*) in the KANK1 gene. It is expected to result in an absent or disrupted protein product. However, the current clinical and genetic evidence is not sufficient to establish whether loss-of-function variants in KANK1 cause disease. This variant is present in population databases (no rsID available, gnomAD 0.0009%). This variant has not been reported in the literature in individuals affected with KANK1-related conditions. ClinVar contains an entry for this variant (Variation ID: 1510914). In summary, the available evidence is currently insufficient to determine the role of this variant in disease. Therefore, it has been classified as a Variant of Uncertain Significance.

Blueprint Genetics
Classification: Uncertain significance. Last evaluated: 2021-11-24. Review status: criteria provided, single submitter. Criteria: ACMG Guidelines, 2015. Collection method: clinical testing. Allele origin: germline.

NM_015158.5(KANK1):c.2059G>T (p.Glu687Ter)

Gene: KANK1 (KN motif and ankyrin repeat domains 1; plus strand). Cytogenetic location: 9p24.3.
Variant type: single nucleotide variant.
Coding change: c.2059G>T on transcript NM_015158.5 (MANE Select); coding-DNA position 2059, G replaced by T.
Protein change: p.Glu687Ter; replaces glutamic acid 687 with a stop codon.
Molecular consequence: nonsense. On other transcripts: non-coding transcript variant (1).
Genome position (GRCh38, 1-based): chr9:712,825, G>T. VCF-style: chr9-712825-G-T. GRCh37 (hg19) VCF-style: chr9-712825-G-T.
Other names: c.2059G>T, p.Glu687Ter (NM_001256876.3, NM_001256877.3, NM_001354331.2 and 2 more transcripts); c.1585G>T, p.Glu529Ter (NM_001354333.2, NM_001354335.2, NM_001354336.2 and 9 more transcripts); short protein forms E687*, E529*.
Identifiers: ClinVar variation 1510914 (VCV001510914.7), dbSNP rs116060855, ClinGen allele CA372749513.
Genomic context (GRCh38, chr9:712,825, plus strand): 5'-CGTACTGCAGACCAGGACACTAGCACAGATTTGGAACAGGTGCACCAGTTCACCAACACC[G>T]AGACGGCCACCCTCATAGAGTCCTGCACCAACACTTGTCTAAGCACTTTGGACAAGCAGA-3'